The following is an entry in ClinVar:

NM_000135.4(FANCA):c.523-1G>C

Gene: FANCA (FA complementation group A; minus strand). Cytogenetic location: 16q24.3.
Variant type: single nucleotide variant.
Coding change: c.523-1G>C on transcript NM_000135.4 (MANE Select); the canonical splice acceptor site of the intron before coding-DNA position 523, G replaced by C.
Molecular consequence: splice acceptor variant.
Genome position (GRCh38, 1-based): chr16:89,808,368, C>G on the plus strand (G>C on the coding strand, the complement: FANCA is on the minus strand). VCF-style: chr16-89808368-C-G. GRCh37 (hg19) VCF-style: chr16-89874776-C-G.
Other names: c.523-1G>C (NM_001286167.3, NM_001018112.3); c.427-1G>C (NM_001351830.2).
Identifiers: ClinVar variation 3362298 (VCV003362298.3).

ClinVar aggregate classification (germline): Likely pathogenic (1 of 4 stars; one submission).

Conditions:
Fanconi anemia complementation group A (FANCA). Also called: FANCA-Related Fanconi Anemia; Fanconi anemia, group A. Identifiers: Orphanet 84, MedGen C3469521, MONDO:0009215, OMIM 227650.

gnomAD v4.1: 1 of 1,614,058 alleles (0.000062%); highest among the groups gnomAD compares: Admixed American, 0.0017%; no homozygotes.

Submission:

Neuberg Centre For Genomic Medicine, NCGM
Classification: Likely pathogenic for Fanconi anemia complementation group A. Last evaluated: 2023-06-02. Review status: criteria provided, single submitter. Criteria: ACMG Guidelines, 2015. Collection method: clinical testing. Allele origin: germline. Inheritance: Autosomal recessive inheritance. Affected: yes.
Comment: The splice site variant c.523-1G>C in the FANCA gene has not been reported previously as a pathogenic variant nor as a benign variant, to our knowledge. This variant is reported with the allele frequency (0.0003%) in the gnomAD Exomes. The variant affects the AG acceptor splice site upstream to intron 5. Loss of function variants have been previously reported to be disease causing (Pilonetto et al., 2017). For these reasons, this variant has been classified as Likely Pathogenic.